The following is an entry in ClinVar:

ClinVar aggregate classification (germline): Uncertain significance. Review status: criteria provided, multiple submitters, no conflicts (2 of 4 stars). 2 submissions from 2 submitters: Uncertain significance (2). Last evaluated 2024-09-06.

gnomAD v4.1: 12 of 1,614,094 alleles (0.00074%); highest among the groups gnomAD compares: Non-Finnish European, 0.00085%; no homozygotes.

Submissions (2):

GeneDx
Classification: Uncertain significance. Last evaluated: 2024-09-06. Review status: criteria provided, single submitter. Criteria: GeneDx Variant Classification Process June 2021. Collection method: clinical testing. Allele origin: germline. Affected: yes.
Comment: Not observed at significant frequency in large population cohorts (gnomAD); In silico analysis supports that this missense variant has a deleterious effect on protein structure/function; Has not been previously published as pathogenic or benign to our knowledge

Labcorp Genetics (formerly Invitae), Labcorp
Classification: Uncertain significance. Last evaluated: 2022-11-08. Review status: criteria provided, single submitter. Criteria: Invitae Variant Classification Sherloc (09022015). Collection method: clinical testing. Allele origin: germline.
Comment: In summary, the available evidence is currently insufficient to determine the role of this variant in disease. Therefore, it has been classified as a Variant of Uncertain Significance. Advanced modeling of protein sequence and biophysical properties (such as structural, functional, and spatial information, amino acid conservation, physicochemical variation, residue mobility, and thermodynamic stability) performed at Invitae indicates that this missense variant is not expected to disrupt ANK3 protein function. This variant has not been reported in the literature in individuals affected with ANK3-related conditions. This variant is present in population databases (no rsID available, gnomAD 0.0009%). This sequence change replaces isoleucine, which is neutral and non-polar, with threonine, which is neutral and polar, at codon 2267 of the ANK3 protein (p.Ile2267Thr).

NM_020987.5(ANK3):c.6800T>C (p.Ile2267Thr)

Genes: ANK3 (ankyrin 3; minus strand), LOC130003862 (ATAC-STARR-seq lymphoblastoid active region 3393; plus strand). Cytogenetic location: 10q21.2.
Variant type: single nucleotide variant.
Coding change: c.6800T>C on transcript NM_020987.5 (MANE Select); coding-DNA position 6800, T replaced by C.
Protein change: p.Ile2267Thr; replaces isoleucine 2267 with threonine.
Molecular consequence: missense variant. On other transcripts: intron variant (4).
Genome position (GRCh38, 1-based): chr10:60,074,081, A>G on the plus strand (T>C on the coding strand, the complement: ANK3 is on the minus strand). VCF-style: chr10-60074081-A-G. GRCh37 (hg19) VCF-style: chr10-61833839-A-G.
Other names: c.4388-6072T>C (NM_001204403.2); c.4409-6072T>C (NM_001204404.2); c.4406-6072T>C (NM_001320874.2); c.1808-6072T>C (NM_001149.4); c.6800T>C (NM_020987.3); short protein forms I2267T.
Identifiers: ClinVar variation 2181980 (VCV002181980.5), dbSNP rs1400732154, ClinGen allele CA377011891.